The following is an entry in ClinVar:

NM_138393.4(REEP6):c.517+222C>G

Gene: REEP6 (receptor accessory protein 6; plus strand). Cytogenetic location: 19p13.3.
Variant type: single nucleotide variant.
Coding change: c.517+222C>G on transcript NM_138393.4 (MANE Select); 222 bases into the intron after coding-DNA position 517, C replaced by G.
Molecular consequence: intron variant.
Genome position (GRCh38, 1-based): chr19:1,496,675, C>G. VCF-style: chr19-1496675-C-G. GRCh37 (hg19) VCF-style: chr19-1496674-C-G.
Other names: c.598+4C>G (NM_001329556.3).
Identifiers: ClinVar variation 1016476 (VCV001016476.8), dbSNP rs765427133, ClinGen allele CA2317756834.

ClinVar aggregate classification (germline): Uncertain significance (1 of 4 stars; one submission).

gnomAD v4.1: 1 of 719,782 alleles (0.00014%); highest among the groups gnomAD compares: Admixed American, 0.002%; no homozygotes.

Submission:

Labcorp Genetics (formerly Invitae), Labcorp
Classification: Uncertain significance. Last evaluated: 2020-07-28. Review status: criteria provided, single submitter. Criteria: Invitae Variant Classification Sherloc (09022015). Collection method: clinical testing. Allele origin: germline.
Comment: In summary, the available evidence is currently insufficient to determine the role of this variant in disease. Therefore, it has been classified as a Variant of Uncertain Significance. Algorithms developed to predict the effect of sequence changes on RNA splicing suggest that this variant may create or strengthen a splice site, but this prediction has not been confirmed by published transcriptional studies. This variant has not been reported in the literature in individuals with REEP6-related conditions. The frequency data for this variant in the population databases is considered unreliable, as metrics indicate insufficient coverage at this position in the ExAC database. This sequence change falls in intron 5 of the REEP6 gene. It does not directly change the encoded amino acid sequence of the REEP6 protein.